The following is an entry in ClinVar:

ClinVar aggregate classification (germline): Pathogenic (1 of 4 stars; one submission).

Conditions:
Familial cancer of breast. Also called: hereditary breast carcinoma; BREAST CANCER, FAMILIAL; Hereditary breast cancer. Identifiers: Orphanet 227535, MedGen C0346153, MONDO:0016419, OMIM 114480. Disease mechanism: loss of function.
Fanconi anemia complementation group J. Also called: BRIP1-Related Fanconi Anemia. Identifiers: Orphanet 84, MedGen C1836860, MONDO:0012187, OMIM 609054.

Submission:

Labcorp Genetics (formerly Invitae), Labcorp
Classification: Pathogenic for Familial cancer of breast; Fanconi anemia complementation group J. Last evaluated: 2022-06-29. Review status: criteria provided, single submitter. Criteria: Invitae Variant Classification Sherloc (09022015). Collection method: clinical testing. Allele origin: germline.
Comment: This sequence change creates a premature translational stop signal (p.Phe176Serfs*9) in the BRIP1 gene. It is expected to result in an absent or disrupted protein product. Loss-of-function variants in BRIP1 are known to be pathogenic (PMID: 16116423, 17033622, 21964575). This variant is not present in population databases (gnomAD no frequency). This variant has not been reported in the literature in individuals affected with BRIP1-related conditions. For these reasons, this variant has been classified as Pathogenic.

Literature cited by the submitters: PubMed 16116423; PubMed 17033622; PubMed 21964575.

NM_032043.3(BRIP1):c.526_536del (p.Phe176fs)

Gene: BRIP1 (BRCA1 interacting DNA helicase 1; minus strand). Cytogenetic location: 17q23.2.
Variant type: Deletion.
Coding change: c.526_536del on transcript NM_032043.3 (MANE Select); coding-DNA positions 526 to 536, 11 bases deleted (TTTGGAACAGA).
Protein change: p.Phe176fs; shifts the reading frame from phenylalanine 176.
Molecular consequence: frameshift variant.
Genome position (GRCh38, 1-based): chr17:61,847,192-61,847,202, TCTGTTCCAAA deleted on the plus strand (TTTGGAACAGA on the coding strand, the reverse complement: BRIP1 is on the minus strand). VCF-style (leftmost placement, unchanged base first): chr17-61847191-TTCTGTTCCAAA-T. GRCh37 (hg19) VCF-style: chr17-59924552-TTCTGTTCCAAA-T.
Other names: short protein forms F176fs.
Identifiers: ClinVar variation 2007059 (VCV002007059.4), dbSNP rs2545407253, ClinGen allele CA2580094495.
Genomic context (GRCh38, chr17:61,847,191, plus strand): 5'-CAGTGGAGAGTTGAGTTTTACAGTCTTTCCTGAATCAACTTTTGCATCCAAATTGTGTAC[TTCTGTTCCAAA>T]GCAATGACGTTTTCTAATCTGTAAACACAGAACCAAAATGAAGTTTAAGGTGAACTAGAA-3'